The following is an entry in ClinVar:

NM_000152.5(GAA):c.869A>T (p.Asn290Ile)

Gene: GAA (alpha glucosidase; plus strand). Cytogenetic location: 17q25.3.
Variant type: single nucleotide variant.
Coding change: c.869A>T on transcript NM_000152.5 (MANE Select); coding-DNA position 869, A replaced by T.
Protein change: p.Asn290Ile; replaces asparagine 290 with isoleucine.
Molecular consequence: missense variant.
Genome position (GRCh38, 1-based): chr17:80,107,810, A>T. VCF-style: chr17-80107810-A-T. GRCh37 (hg19) VCF-style: chr17-78081609-A-T.
Other names: c.869A>T, p.Asn290Ile (NM_001079803.3, NM_001079804.3, NM_001406741.1 and 1 more transcripts); short protein forms N290I.
Identifiers: ClinVar variation 4876609 (VCV004876609.1).

ClinVar aggregate classification (germline): Uncertain significance (1 of 4 stars; one submission).

Conditions:
Glycogen storage disease, type II (IOPD). Also called: Pompe Disease; CARDIOMEGALIA GLYCOGENICA DIFFUSA; GLYCOGENOSIS, GENERALIZED, CARDIAC FORM; GSD II; POMPE DISEASE, INFANTILE-ONSET; GLYCOGEN STORAGE DISEASE II, INFANTILE-ONSET. Identifiers: Orphanet 365, MedGen C0017921, MONDO:0009290, OMIM 232300.

Submission:

Genomenon, Inc
Classification: Uncertain significance for Glycogen storage disease, type II. Last evaluated: 2026-07-01. Review status: criteria provided, single submitter. Criteria: Genomenon Sequence Variant Interpretation Standards - Updated. Collection method: curation. Allele origin: germline. Affected: yes.
Comment: GAA p.Asn290Ile (c.869A>T) is a missense variant that changes the amino acid at codon 290 from Asparagine to Isoleucine. This variant has been observed in at least one proband with a GAA-related disorder in the compound heterozygous and/or homozygous state (PMID:22081099). It is absent or not present at a significant frequency in gnomAD. In silico models predict that this variant is possibly or probably damaging. In conclusion, we classify GAA p.Asn290Ile (c.869A>T) as a variant of uncertain significance.

Literature cited by the submitters: PubMed 22081099.